The following is an entry in ClinVar:

NM_006206.6(PDGFRA):c.3032_3033del (p.Arg1011fs)

Gene: PDGFRA (platelet derived growth factor receptor alpha; plus strand). Cytogenetic location: 4q12.
Variant type: Microsatellite.
Coding change: c.3032_3033del on transcript NM_006206.6 (MANE Select); coding-DNA positions 3032 to 3033, 2 bases deleted (GA; older notation c.3032_3033delGA).
Protein change: p.Arg1011fs; shifts the reading frame from arginine 1011.
Molecular consequence: frameshift variant.
Genome position (GRCh38, 1-based): chr4:54,290,464-54,290,465, GA deleted; deleting any 2 consecutive bases within chr4:54,290,461-54,290,465 gives the same sequence; the c. name uses the placement nearest the transcript's 3' end. VCF-style (leftmost placement, unchanged base first): chr4-54290460-CAG-C. GRCh37 (hg19) VCF-style: chr4-55156627-CAG-C.
Other names: c.3107_3108del, p.Arg1036fs (NM_001347828.2); c.3032_3033del, p.Arg1011fs (NM_001347829.2); c.3071_3072del, p.Arg1024fs (NM_001347830.2); c.3030_3031GA[1], p.Arg1011Thrfs (NM_006206.4); c.3032_3033delGA (NM_006206.4); short protein forms R1011fs, R1024fs, R1036fs.
Identifiers: ClinVar variation 2151985 (VCV002151985.2), dbSNP rs2475565923, ClinGen allele CA2580616126.

ClinVar aggregate classification (germline): Uncertain significance. Review status: criteria provided, multiple submitters, no conflicts (2 of 4 stars). 2 submissions from 2 submitters: Uncertain significance (2). Last evaluated 2024-12-20.

Conditions:
Hereditary cancer-predisposing syndrome. Also called: Hereditary Cancer Syndrome; Hereditary neoplastic syndrome; Neoplastic Syndromes, Hereditary; Tumor predisposition. Identifiers: Orphanet 140162, MedGen C0027672, MeSH D009386, MONDO:0015356.
Gastrointestinal stromal tumor. Also called: Gastrointestinal stroma tumor; Gastrointestinal stromal tumor, somatic. Identifiers: Orphanet 44890, MedGen C0238198, MeSH D046152, MONDO:0011719, OMIM 606764, HP:0100723.

Submissions (2):

Ambry Genetics
Classification: Uncertain significance for Hereditary cancer-predisposing syndrome. Last evaluated: 2024-12-20. Review status: criteria provided, single submitter. Criteria: Ambry Variant Classification Scheme 2023. Collection method: clinical testing. Allele origin: germline.
Comment: The c.3032_3033delGA variant, located in coding exon 21 of the PDGFRA gene, results from a deletion of two nucleotides at nucleotide positions 3032 to 3033, causing a translational frameshift with a predicted alternate stop codon (p.R1011Tfs*4). This alteration is expected to result in protein truncation or nonsense-mediated mRNA decay. However, loss of function of PDGFRA has not been established as a mechanism of disease. Based on the available evidence, the clinical significance of this alteration remains unclear.

Labcorp Genetics (formerly Invitae), Labcorp
Classification: Uncertain significance for Gastrointestinal stromal tumor. Last evaluated: 2022-06-29. Review status: criteria provided, single submitter. Criteria: Invitae Variant Classification Sherloc (09022015). Collection method: clinical testing. Allele origin: germline.
Comment: This sequence change creates a premature translational stop signal (p.Arg1011Thrfs*4) in the PDGFRA gene. It is expected to result in an absent or disrupted protein product. However, the current clinical and genetic evidence is not sufficient to establish whether loss-of-function variants in PDGFRA cause disease. This variant is not present in population databases (gnomAD no frequency). This variant has not been reported in the literature in individuals affected with PDGFRA-related conditions. Experimental studies and prediction algorithms are not available or were not evaluated, and the functional significance of this variant is currently unknown. In summary, the available evidence is currently insufficient to determine the role of this variant in disease. Therefore, it has been classified as a Variant of Uncertain Significance.